The following is an entry in ClinVar:

NM_173798.4(ZCCHC12):c.106A>G (p.Ile36Val)

Gene: ZCCHC12 (zinc finger CCHC-type containing 12; plus strand). Cytogenetic location: Xq24.
Variant type: single nucleotide variant.
Coding change: c.106A>G on transcript NM_173798.4 (MANE Select); coding-DNA position 106, A replaced by G.
Protein change: p.Ile36Val; replaces isoleucine 36 with valine.
Molecular consequence: missense variant.
Genome position (GRCh38, 1-based): chrX:118,825,350, A>G. VCF-style: chrX-118825350-A-G. GRCh37 (hg19) VCF-style: chrX-117959313-A-G.
Other names: c.106A>G, p.Ile36Val (NM_001312891.2); short protein forms I36V.
Identifiers: ClinVar variation 2661276 (VCV002661276.24), dbSNP rs1450945127, ClinGen allele CA414356546.
Genomic context (GRCh38, chrX:118,825,350, plus strand): 5'-GCACCCTTGCCGCCTTGGGCCCATTCCATGCTGAGGTCCCTGGGGAGAAGTCTCGGTCCT[A>G]TAATGGCCAGCATGGCAGACAGAAACATGAAGTTGTTCTCGGGGAGGGTGGTGCCAGCCC-3'
Protein context (NP_776159.1, residues 26-46): LRSLGRSLGP[Ile36Val]MASMADRNMK

ClinVar aggregate classification (germline): Uncertain significance (1 of 4 stars; one submission).

Allele frequency attached by ClinVar (database versions not stated): gnomAD exomes 0.00001; TOPMed 0.00002.
gnomAD v4.1: 18 of 1,211,048 alleles (0.0015%); highest among the groups gnomAD compares: Non-Finnish European, 0.0016%; no homozygotes.

Submission:

CeGaT Center for Human Genetics Tuebingen
Classification: Uncertain significance. Last evaluated: 2023-08-01. Review status: criteria provided, single submitter. Criteria: CeGaT Center For Human Genetics Tuebingen Variant Classification Criteria Version 2. Collection method: clinical testing. Allele origin: germline. Affected: yes. Observed: 1 variant allele.
Comment: ZCCHC12: PM2, BP4